The following is an entry in ClinVar:

ClinVar aggregate classification (germline): Uncertain significance (1 of 4 stars; one submission).

Conditions:
Neurofibromatosis, type 1 (NF1). Also called: Peripheral type neurofibromatosis; VON RECKLINGHAUSEN DISEASE; Neurofibromatosis, type I; NEUROFIBROMATOSIS, TYPE I, SOMATIC. Identifiers: Orphanet 636, MedGen C0027831, MONDO:0018975, OMIM 162200. Disease mechanism: loss of function.

gnomAD v4.1: 3 of 1,610,078 alleles (0.00019%); highest among the groups gnomAD compares: Non-Finnish European, 0.00025%; no homozygotes.

Submission:

Labcorp Genetics (formerly Invitae), Labcorp
Classification: Uncertain significance for Neurofibromatosis, type 1. Last evaluated: 2024-12-04. Review status: criteria provided, single submitter. Criteria: Invitae Variant Classification Sherloc (09022015). Collection method: clinical testing. Allele origin: germline.
Comment: This sequence change falls in intron 15 of the NF1 gene. It does not directly change the encoded amino acid sequence of the NF1 protein. This variant is not present in population databases (gnomAD no frequency). This variant has not been reported in the literature in individuals affected with NF1-related conditions. Algorithms developed to predict the effect of sequence changes on RNA splicing suggest that this variant may disrupt the consensus splice site. In summary, the available evidence is currently insufficient to determine the role of this variant in disease. Therefore, it has been classified as a Variant of Uncertain Significance.

NM_001042492.3(NF1):c.1722-17A>G

Gene: NF1 (neurofibromin 1; plus strand). Cytogenetic location: 17q11.2.
Variant type: single nucleotide variant.
Coding change: c.1722-17A>G on transcript NM_001042492.3 (MANE Select); 17 bases into the intron before coding-DNA position 1722, A replaced by G.
Molecular consequence: intron variant.
Genome position (GRCh38, 1-based): chr17:31,223,427, A>G. VCF-style: chr17-31223427-A-G. GRCh37 (hg19) VCF-style: chr17-29550445-A-G.
Other names: c.1722-17A>G (NM_000267.4).
Identifiers: ClinVar variation 3646630 (VCV003646630.2).